The following is an entry in ClinVar:

NM_002660.3(PLCG1):c.1673G>A (p.Gly558Glu)

Gene: PLCG1 (phospholipase C gamma 1; plus strand). Cytogenetic location: 20q12.
Variant type: single nucleotide variant.
Coding change: c.1673G>A on transcript NM_002660.3 (MANE Select); coding-DNA position 1673, G replaced by A.
Protein change: p.Gly558Glu; replaces glycine 558 with glutamic acid.
Molecular consequence: missense variant.
Genome position (GRCh38, 1-based): chr20:41,165,700, G>A. VCF-style: chr20-41165700-G-A. GRCh37 (hg19) VCF-style: chr20-39794340-G-A.
Other names: c.1673G>A, p.Gly558Glu (NM_182811.2); short protein forms G558E.
Identifiers: ClinVar variation 3031039 (VCV003031039.2), dbSNP rs2515561074, ClinGen allele CA409027044.

ClinVar aggregate classification (germline): Uncertain significance (0 of 4 stars; one submission).

Conditions:
PLCG1-related disorder. Also called: PLCG1-related condition.

Submission:

PreventionGenetics, part of Exact Sciences
Classification: Uncertain significance for PLCG1-related condition. Last evaluated: 2023-12-21. Review status: no assertion criteria provided. Collection method: clinical testing. Allele origin: germline.
Comment: The PLCG1 c.1673G>A variant is predicted to result in the amino acid substitution p.Gly558Glu. To our knowledge, this variant has not been reported in the literature or in a large population database, indicating this variant is rare. At this time, the clinical significance of this variant is uncertain due to the absence of conclusive functional and genetic evidence.